The following is an entry in ClinVar:

ClinVar aggregate classification (germline): Pathogenic (1 of 4 stars; one submission).

Conditions:
Developmental and epileptic encephalopathy 94 (DEE94). Also called: Epileptic encephalopathy, childhood-onset; CHD2-Related Neurodevelopmental Disorders. Identifiers: Orphanet 1942, Orphanet 2382, MedGen C3809278, MONDO:0014150, OMIM 615369.

Submission:

Labcorp Genetics (formerly Invitae), Labcorp
Classification: Pathogenic for Developmental and epileptic encephalopathy 94. Last evaluated: 2025-09-20. Review status: criteria provided, single submitter. Criteria: Invitae Variant Classification Sherloc (09022015). Collection method: clinical testing. Allele origin: germline.
Comment: This sequence change creates a premature translational stop signal (p.Glu1045*) in the CHD2 gene. It is expected to result in an absent or disrupted protein product. Loss-of-function variants in CHD2 are known to be pathogenic (PMID: 23708187, 24207121). This variant is not present in population databases (gnomAD no frequency). This variant has not been reported in the literature in individuals affected with CHD2-related conditions. For these reasons, this variant has been classified as Pathogenic.

Literature cited by the submitters: PubMed 23708187; PubMed 24207121.

NM_001271.4(CHD2):c.3132dup (p.Glu1045Ter)

Gene: CHD2 (chromodomain helicase DNA binding protein 2; plus strand). Cytogenetic location: 15q26.1.
Variant type: Duplication.
Coding change: c.3132dup on transcript NM_001271.4 (MANE Select); coding-DNA position 3132, one base duplicated (T; older notation c.3132dupT).
Protein change: p.Glu1045Ter; replaces glutamic acid 1045 with a stop codon.
Molecular consequence: nonsense.
Genome position (GRCh38, 1-based): chr15:92,984,395, T duplicated. VCF-style (leftmost placement, unchanged base first): chr15-92984394-A-AT. GRCh37 (hg19) VCF-style: chr15-93527624-A-AT.
Other names: short protein forms E1045*.
Identifiers: ClinVar variation 4727205 (VCV004727205.1).
Genomic context (GRCh38, chr15:92,984,394, plus strand): 5'-CCAACTTTGCAACAATGGAAGATGAAGAAGAGCTAGAAGAGCGTCCTCACAAGGACTGGG[A>AT]TGAGATCATTCCAGAGGAACAAAGGAAAAAAGTAGAGGAGGAAGAGCGGCAGAAGGAGCT-3'